The following is an entry in ClinVar:

ClinVar aggregate classification (germline): Pathogenic (1 of 4 stars; one submission).

Submission:

Labcorp Genetics (formerly Invitae), Labcorp
Classification: Pathogenic. Last evaluated: 2022-12-09. Review status: criteria provided, single submitter. Criteria: Invitae Variant Classification Sherloc (09022015). Collection method: clinical testing. Allele origin: germline.
Comment: For these reasons, this variant has been classified as Pathogenic. This variant has not been reported in the literature in individuals affected with LMX1B-related conditions. This variant is not present in population databases (gnomAD no frequency). This sequence change creates a premature translational stop signal (p.Glu250Aspfs*5) in the LMX1B gene. It is expected to result in an absent or disrupted protein product. Loss-of-function variants in LMX1B are known to be pathogenic (PMID: 9590287, 15498463).

Literature cited by the submitters: PubMed 9590287; PubMed 15498463.

NM_001174147.2(LMX1B):c.750_751del (p.Glu250fs)

Gene: LMX1B (LIM homeobox transcription factor 1 beta; plus strand). Cytogenetic location: 9q33.3.
Variant type: Microsatellite.
Coding change: c.750_751del on transcript NM_001174147.2 (MANE Select); coding-DNA positions 750 to 751, 2 bases deleted (GA; older notation c.750_751delGA).
Protein change: p.Glu250fs; shifts the reading frame from glutamic acid 250.
Molecular consequence: frameshift variant.
Genome position (GRCh38, 1-based): chr9:126,693,532-126,693,533, GA deleted; deleting any 2 consecutive bases within chr9:126,693,528-126,693,533 gives the same sequence; the c. name uses the placement nearest the transcript's 3' end. VCF-style (leftmost placement, unchanged base first): chr9-126693527-CGA-C. GRCh37 (hg19) VCF-style: chr9-129455806-CGA-C.
Other names: c.750_751del, p.Glu250fs (NM_001174146.2, NM_002316.4); short protein forms E250fs.
Identifiers: ClinVar variation 1070233 (VCV001070233.7), dbSNP rs2118992738, ClinGen allele CA2580616327.